The following is an entry in ClinVar:

ClinVar aggregate classification (germline): Conflicting classifications of pathogenicity. Review status: criteria provided, conflicting classifications (1 of 4 stars). 4 submissions from 4 submitters: Uncertain significance (2); Likely benign (1). 1 of the submissions does not count toward it. Last evaluated 2025-09-24.

Conditions:
Dilated cardiomyopathy 1D. Identifiers: Orphanet 154, Orphanet 54260, MedGen C1832243, MONDO:0011095, OMIM 601494.
Cardiomyopathy, familial restrictive, 3. Identifiers: Orphanet 75249, MedGen C2676271, MONDO:0012900, OMIM 612422.
Hypertrophic cardiomyopathy 2. Also called: TNNT2-Related Familial Hypertrophic Cardiomyopathy. Identifiers: MedGen C1861864, MONDO:0007266, OMIM 115195.
Cardiomyopathy (CMYO). Also called: Cardiomyopathies. Identifiers: Orphanet 167848, MedGen C0878544, MONDO:0004994, HP:0001638. Inheritance: Various modes of inheritance.

Allele frequency attached by ClinVar (database versions not stated): gnomAD exomes 0.00001 and 0.00002; ExAC 0.00002; TOPMed 0.00002; gnomAD 0.00003.
gnomAD v4.1: 7 of 1,613,846 alleles (0.00043%); highest among the groups gnomAD compares: Admixed American, 0.012%; no homozygotes.

Submissions (4):

Labcorp Genetics (formerly Invitae), Labcorp
Classification: Uncertain significance for Cardiomyopathy, familial restrictive, 3; Hypertrophic cardiomyopathy 2; Dilated cardiomyopathy 1D. Last evaluated: 2025-09-24. Review status: criteria provided, single submitter. Criteria: Invitae Variant Classification Sherloc (09022015). Collection method: clinical testing. Allele origin: germline.
Comment: This sequence change falls in intron 14 of the TNNT2 gene. It does not directly change the encoded amino acid sequence of the TNNT2 protein. It affects a nucleotide within the consensus splice site. This variant is present in population databases (rs727504260, gnomAD 0.02%). This variant has not been reported in the literature in individuals affected with TNNT2-related conditions. ClinVar contains an entry for this variant (Variation ID: 177655). Variants that disrupt the consensus splice site are a relatively common cause of aberrant splicing (PMID: 17576681, 9536098). Algorithms developed to predict the effect of sequence changes on RNA splicing suggest that this variant is not likely to affect RNA splicing. In summary, the available evidence is currently insufficient to determine the role of this variant in disease. Therefore, it has been classified as a Variant of Uncertain Significance.

All of Us Research Program, National Institutes of Health
Classification: Uncertain significance for Cardiomyopathy. Last evaluated: 2024-08-13. Review status: criteria provided, single submitter. Criteria: ACMG Guidelines, 2015. Collection method: clinical testing. Allele origin: germline. Inheritance: Autosomal dominant inheritance. Observed: 10 variant alleles, 10 heterozygotes.
Comment: This variant causes a C to T nucleotide substitution at the +6 position of intron 14 of the TNNT2 gene. To our knowledge, functional studies have not been reported for this variant. This variant has not been reported in individuals affected with TNNT2-related disorders in the literature. This variant has been identified in 7/282794 chromosomes in the general population by the Genome Aggregation Database (gnomAD). The available evidence is insufficient to determine the role of this variant in disease conclusively. Therefore, this variant is classified as a Variant of Uncertain Significance.

This study involves interpretation of variants in research participants for the purpose of population health screening. Participant phenotype was not available at the time of variant classification. Additional details can be found in publication PMID: 35346344, PMCID: PMC8962531

GeneDx
Classification: Likely benign. Last evaluated: 2016-02-18. Review status: criteria provided, single submitter. Criteria: GeneDx Variant Classification (06012015). Collection method: clinical testing. Allele origin: germline. Affected: yes.
Comment: This variant is considered likely benign or benign based on one or more of the following criteria: it is a conservative change, it occurs at a poorly conserved position in the protein, it is predicted to be benign by multiple in silico algorithms, and/or has population frequency not consistent with disease.

Laboratory for Molecular Medicine, Mass General Brigham Personalized Medicine
Classification: Likely benign. Last evaluated: 2008-03-01. Review status: no assertion criteria provided. Collection method: clinical testing. Allele origin: germline. Observed: 2 variant alleles. Not counted in ClinVar's aggregate classification.
Comment: proposed classification - variant undergoing re-assessment, contact laboratory

Literature cited by the submitters: PubMed 17576681 (cited by Labcorp Genetics (formerly Invitae), Labcorp); PubMed 9536098 (cited by Labcorp Genetics (formerly Invitae), Labcorp).

NM_001276345.2(TNNT2):c.810+6C>T

Gene: TNNT2 (troponin T2, cardiac type; minus strand). Cytogenetic location: 1q32.1.
Variant type: single nucleotide variant.
Coding change: c.810+6C>T on transcript NM_001276345.2 (MANE Select); 6 bases into the intron after coding-DNA position 810, C replaced by T.
Molecular consequence: intron variant.
Genome position (GRCh38, 1-based): chr1:201,361,273, G>A on the plus strand (C>T on the coding strand, the complement: TNNT2 is on the minus strand). VCF-style: chr1-201361273-G-A. GRCh37 (hg19) VCF-style: chr1-201330401-G-A.
Other names: c.762+6C>T (NM_001001432.3); c.771+6C>T (NM_001001431.3); c.780+6C>T (NM_001001430.3, NM_001276347.2); c.681+6C>T (NM_001276346.2); c.801+6C>T (NM_000364.4).
Identifiers: ClinVar variation 177655 (VCV000177655.12), dbSNP rs727504260, ClinGen allele CA090052.
Genomic context (GRCh38, chr1:201,361,273, plus strand): 5'-CCGGACCCAGTGAACCAGGAGGAGTGTGAGATGGAGATGCTGGGCGGGGACAGCATGGCG[G>A]CCCACCTCATATTTCTGCTGCTTGAACTTCTCCTGCAGGTCGAACTTCTCTGCCTCCAAG-3'